The following is an entry in ClinVar:

NM_000138.5(FBN1):c.2203C>T (p.Pro735Ser)

Gene: FBN1 (fibrillin 1; minus strand). Cytogenetic location: 15q21.1.
Variant type: single nucleotide variant.
Coding change: c.2203C>T on transcript NM_000138.5 (MANE Select); coding-DNA position 2203, C replaced by T.
Protein change: p.Pro735Ser; replaces proline 735 with serine.
Molecular consequence: missense variant.
Genome position (GRCh38, 1-based): chr15:48,497,356, G>A on the plus strand (C>T on the coding strand, the complement: FBN1 is on the minus strand). VCF-style: chr15-48497356-G-A. GRCh37 (hg19) VCF-style: chr15-48789553-G-A.
Other names: short protein forms P735S.
Identifiers: ClinVar variation 1171557 (VCV001171557.2), dbSNP rs2043616905, ClinGen allele CA392335777.
Genomic context (GRCh38, chr15:48,497,356, plus strand): 5'-CATATCCTGAATTGCATATACATTTATAGGTCCCACGAAGGTTTTCACAGATTCCATTTG[G>A]GCAAATATCAGGATCTAGTGCACATTCATTTATATCTGCACCACAAAAAAGGTCAAAATC-3'
Protein context (NP_000129.3, residues 725-745): NECALDPDIC[Pro735Ser]NGICENLRGT

ClinVar aggregate classification (germline): Uncertain significance (1 of 4 stars; one submission).

Conditions:
Familial thoracic aortic aneurysm and aortic dissection (TAAD). Also called: Thoracic aortic aneurysms and dissections. Identifiers: Orphanet 91387, MedGen C4707243, MONDO:0019625.

Allele frequency attached by ClinVar (database versions not stated): gnomAD exomes below 0.00001; TOPMed below 0.00001.

Submission:

Color Diagnostics, LLC DBA Color Health
Classification: Uncertain significance for Familial thoracic aortic aneurysm and aortic dissection. Last evaluated: 2020-10-14. Review status: criteria provided, single submitter. Criteria: ACMG Guidelines, 2015. Collection method: clinical testing. Allele origin: germline.
Comment: This missense variant replaces proline with serine at codon 735 of the FBN1 protein. Computational prediction suggests that this variant may not impact protein structure and function (internally defined REVEL score threshold <= 0.5, PMID: 27666373). To our knowledge, functional studies have not been reported for this variant. This variant has not been reported in individuals affected with cardiovascular disorders in the literature. This variant has not been identified in the general population by the Genome Aggregation Database (gnomAD). The available evidence is insufficient to determine the role of this variant in disease conclusively. Therefore, this variant is classified as a Variant of Uncertain Significance.